The following is an entry in ClinVar:

NM_004608.4(TBX6):c.1300C>T (p.Pro434Ser)

Gene: TBX6 (T-box transcription factor 6; minus strand). Cytogenetic location: 16p11.2.
Variant type: single nucleotide variant.
Coding change: c.1300C>T on transcript NM_004608.4 (MANE Select); coding-DNA position 1300, C replaced by T.
Protein change: p.Pro434Ser; replaces proline 434 with serine.
Molecular consequence: missense variant.
Genome position (GRCh38, 1-based): chr16:30,086,236, G>A on the plus strand (C>T on the coding strand, the complement: TBX6 is on the minus strand). VCF-style: chr16-30086236-G-A. GRCh37 (hg19) VCF-style: chr16-30097557-G-A.
Other names: short protein forms P434S.
Identifiers: ClinVar variation 694412 (VCV000694412.1), dbSNP rs1200121314, ClinGen allele CA395512017.

ClinVar aggregate classification (germline): Uncertain significance (1 of 4 stars; one submission).

Conditions:
Scoliosis. Identifiers: MedGen C0036439, MONDO:0005392, HP:0002650.

gnomAD v4.1: 2 of 1,611,830 alleles (0.00012%); highest among the groups gnomAD compares: Non-Finnish European, 0.00017%; no homozygotes.

Submission:

Beijing Key Laboratory for Genetic Research of Skeletal Deformity, Peking Union Medical College Hospital
Classification: Uncertain significance for scoliosis. Last evaluated: 2019-08-01. Review status: criteria provided, single submitter. Criteria: ACMG Guidelines, 2015. Collection method: research. Allele origin: germline. Affected: yes. Observed: 1 variant allele.
Comment: This variant may contribute to congenital scoliosis development

Literature cited by the submitters: PubMed 25564734.